The following is an entry in ClinVar:

NM_024757.5(EHMT1):c.856T>A (p.Ser286Thr)

Gene: EHMT1 (euchromatic histone lysine methyltransferase 1; plus strand). Cytogenetic location: 9q34.3.
Variant type: single nucleotide variant.
Coding change: c.856T>A on transcript NM_024757.5 (MANE Select); coding-DNA position 856, T replaced by A.
Protein change: p.Ser286Thr; replaces serine 286 with threonine.
Molecular consequence: missense variant.
Genome position (GRCh38, 1-based): chr9:137,743,403, T>A. VCF-style: chr9-137743403-T-A. GRCh37 (hg19) VCF-style: chr9-140637855-T-A.
Other names: c.856T>A, p.Ser286Thr (NM_001145527.2, NM_001354611.2); c.763T>A, p.Ser255Thr (NM_001354259.2, NM_001354612.2); c.835T>A, p.Ser279Thr (NM_001354263.2); short protein forms S255T, S279T, S286T.
Identifiers: ClinVar variation 2699182 (VCV002699182.3), dbSNP rs2541599866, ClinGen allele CA375777629.

ClinVar aggregate classification (germline): Uncertain significance (1 of 4 stars; one submission).

Conditions:
Kleefstra syndrome 1 (KLEFS1). Identifiers: Orphanet 261494, MedGen C0795833, MONDO:0027407, OMIM 610253.

Submission:

Labcorp Genetics (formerly Invitae), Labcorp
Classification: Uncertain significance for Kleefstra syndrome 1. Last evaluated: 2023-12-05. Review status: criteria provided, single submitter. Criteria: Invitae Variant Classification Sherloc (09022015). Collection method: clinical testing. Allele origin: germline.
Comment: This sequence change replaces serine, which is neutral and polar, with threonine, which is neutral and polar, at codon 286 of the EHMT1 protein (p.Ser286Thr). This variant is not present in population databases (gnomAD no frequency). This variant has not been reported in the literature in individuals affected with EHMT1-related conditions. An algorithm developed to predict the effect of missense changes on protein structure and function (PolyPhen-2) suggests that this variant is likely to be tolerated. In summary, the available evidence is currently insufficient to determine the role of this variant in disease. Therefore, it has been classified as a Variant of Uncertain Significance.